The following is an entry in ClinVar:

ClinVar aggregate classification (germline): Conflicting classifications of pathogenicity. Review status: criteria provided, conflicting classifications (1 of 4 stars). 4 submissions from 4 submitters: Uncertain significance (1); Likely benign (3). Last evaluated 2025-12-14.

Conditions:
Wilson disease (WND). Also called: Wilson's disease. Identifiers: Orphanet 905, MedGen C0019202, MONDO:0010200, OMIM 277900. Disease mechanism: loss of function.

Allele frequency attached by ClinVar (database versions not stated): ExAC 0.00001; gnomAD 0.00001; gnomAD exomes 0.00001; TOPMed 0.00001; 1000 Genomes Project 30x 0.00016.

Submissions (4):

Labcorp Genetics (formerly Invitae), Labcorp
Classification: Likely benign for Wilson disease. Last evaluated: 2025-12-14. Review status: criteria provided, single submitter. Criteria: Invitae Variant Classification Sherloc (09022015). Collection method: clinical testing. Allele origin: germline.

Blueprint Genetics
Classification: Likely benign. Last evaluated: 2024-09-03. Review status: criteria provided, single submitter. Criteria: ACMG Guidelines, 2015. Collection method: clinical testing. Allele origin: germline.

Illumina Laboratory Services, Illumina
Classification: Uncertain significance for Wilson disease. Last evaluated: 2018-01-12. Review status: criteria provided, single submitter. Criteria: ICSL Variant Classification Criteria 13 December 2019. Collection method: clinical testing. Allele origin: germline.

GeneDx
Classification: Likely benign. Last evaluated: 2016-12-08. Review status: criteria provided, single submitter. Criteria: GeneDx Variant Classification (06012015). Collection method: clinical testing. Allele origin: germline. Affected: yes.
Comment: This variant is considered likely benign or benign based on one or more of the following criteria: it is a conservative change, it occurs at a poorly conserved position in the protein, it is predicted to be benign by multiple in silico algorithms, and/or has population frequency not consistent with disease.

NM_000053.4(ATP7B):c.51+13C>T

Gene: ATP7B (ATPase copper transporting beta; minus strand). Cytogenetic location: 13q14.3.
Variant type: single nucleotide variant.
Coding change: c.51+13C>T on transcript NM_000053.4 (MANE Select); 13 bases into the intron after coding-DNA position 51, C replaced by T.
Molecular consequence: intron variant.
Genome position (GRCh38, 1-based): chr13:52,011,274, G>A on the plus strand (C>T on the coding strand, the complement: ATP7B is on the minus strand). VCF-style: chr13-52011274-G-A. GRCh37 (hg19) VCF-style: chr13-52585410-G-A.
Other names: c.51+13C>T (NM_001243182.2, NM_001005918.3, NM_001330579.2 and 1 more transcripts).
Identifiers: ClinVar variation 391208 (VCV000391208.10), dbSNP rs770273498, ClinGen allele CA6989704.